The following is an entry in ClinVar:

NM_004446.3(EPRS1):c.4147A>G (p.Arg1383Gly)

Gene: EPRS1 (glutamyl-prolyl-tRNA synthetase 1; minus strand). Cytogenetic location: 1q41.
Variant type: single nucleotide variant.
Coding change: c.4147A>G on transcript NM_004446.3 (MANE Select); coding-DNA position 4147, A replaced by G.
Protein change: p.Arg1383Gly; replaces arginine 1383 with glycine.
Molecular consequence: missense variant.
Genome position (GRCh38, 1-based): chr1:219,973,335, T>C on the plus strand (A>G on the coding strand, the complement: EPRS1 is on the minus strand). VCF-style: chr1-219973335-T-C. GRCh37 (hg19) VCF-style: chr1-220146677-T-C.
Other names: short protein forms R1383G.
Identifiers: ClinVar variation 2544282 (VCV002544282.4), dbSNP rs776893859, ClinGen allele CA1399489.

ClinVar aggregate classification (germline): Uncertain significance. Review status: criteria provided, multiple submitters, no conflicts (2 of 4 stars). 2 submissions from 2 submitters: Uncertain significance (2). Last evaluated 2024-06-02.

Conditions:
Inborn genetic diseases. Identifiers: MedGen C0950123, MeSH D030342.

Allele frequency attached by ClinVar (database versions not stated): gnomAD exomes below 0.00001; ExAC 0.00001; gnomAD 0.00001.
gnomAD v4.1: 5 of 1,612,706 alleles (0.00031%); highest among the groups gnomAD compares: South Asian, 0.0033%; no homozygotes.

Submissions (2):

Labcorp Genetics (formerly Invitae), Labcorp
Classification: Uncertain significance. Last evaluated: 2024-06-02. Review status: criteria provided, single submitter. Criteria: Invitae Variant Classification Sherloc (09022015). Collection method: clinical testing. Allele origin: germline.
Comment: This sequence change replaces arginine, which is basic and polar, with glycine, which is neutral and non-polar, at codon 1383 of the EPRS protein (p.Arg1383Gly). This variant is present in population databases (rs776893859, gnomAD 0.006%). This missense change has been observed in individual(s) with clinical features of EPRS-related conditions (Invitae). In at least one individual the data is consistent with being in trans (on the opposite chromosome) from a pathogenic variant. ClinVar contains an entry for this variant (Variation ID: 2544282). An algorithm developed to predict the effect of missense changes on protein structure and function (PolyPhen-2) suggests that this variant is likely to be disruptive. In summary, the available evidence is currently insufficient to determine the role of this variant in disease. Therefore, it has been classified as a Variant of Uncertain Significance.

Ambry Genetics
Classification: Uncertain significance for Inborn genetic diseases. Last evaluated: 2023-05-05. Review status: criteria provided, single submitter. Criteria: Ambry Variant Classification Scheme 2023. Collection method: clinical testing. Allele origin: germline.